The following is an entry in ClinVar:

ClinVar aggregate classification (germline): Uncertain significance (0 of 4 stars; one submission).

Conditions:
PLXNA2-related disorder. Also called: PLXNA2-related condition.

gnomAD v4.1: 4 of 1,613,284 alleles (0.00025%); highest among the groups gnomAD compares: Non-Finnish European, 0.00034%; no homozygotes.

Submission:

PreventionGenetics, part of Exact Sciences
Classification: Uncertain significance for PLXNA2-related condition. Last evaluated: 2024-05-27. Review status: no assertion criteria provided. Collection method: clinical testing. Allele origin: germline.
Comment: The PLXNA2 c.2395+1G>A variant is predicted to disrupt the GT donor site and interfere with normal splicing. To our knowledge, this variant has not been reported in the literature. This variant is reported in 0.00088% of alleles in individuals of European (Non-Finnish) descent in gnomAD. Loss of function has not been established as a mechanism of PLXNA2-related disease. At this time, the clinical significance of this variant is uncertain due to the absence of conclusive functional and genetic evidence.

NM_025179.4(PLXNA2):c.2395+1G>A

Gene: PLXNA2 (plexin A2; minus strand). Cytogenetic location: 1q32.2.
Variant type: single nucleotide variant.
Coding change: c.2395+1G>A on transcript NM_025179.4 (MANE Select); the canonical splice donor site of the intron after coding-DNA position 2395, G replaced by A.
Molecular consequence: splice donor variant.
Genome position (GRCh38, 1-based): chr1:208,082,411, C>T on the plus strand (G>A on the coding strand, the complement: PLXNA2 is on the minus strand). VCF-style: chr1-208082411-C-T. GRCh37 (hg19) VCF-style: chr1-208255756-C-T.
Identifiers: ClinVar variation 3353910 (VCV003353910.1).